The following is an entry in ClinVar:

ClinVar aggregate classification (germline): Uncertain significance. Review status: criteria provided, multiple submitters, no conflicts (2 of 4 stars). 2 submissions from 2 submitters: Uncertain significance (2). Last evaluated 2024-08-31.

Conditions:
Hereditary cancer-predisposing syndrome. Also called: Neoplastic Syndromes, Hereditary; Tumor predisposition; Hereditary Cancer Syndrome; Hereditary neoplastic syndrome. Identifiers: Orphanet 140162, MedGen C0027672, MeSH D009386, MONDO:0015356.

Submissions (2):

Labcorp Genetics (formerly Invitae), Labcorp
Classification: Uncertain significance. Last evaluated: 2024-08-31. Review status: criteria provided, single submitter. Criteria: Invitae Variant Classification Sherloc (09022015). Collection method: clinical testing. Allele origin: germline.
Comment: This sequence change replaces glutamic acid, which is acidic and polar, with aspartic acid, which is acidic and polar, at codon 59 of the FH protein (p.Glu59Asp). This variant is not present in population databases (gnomAD no frequency). This variant has not been reported in the literature in individuals affected with FH-related conditions. ClinVar contains an entry for this variant (Variation ID: 1779932). Invitae Evidence Modeling of protein sequence and biophysical properties (such as structural, functional, and spatial information, amino acid conservation, physicochemical variation, residue mobility, and thermodynamic stability) has been performed for this missense variant. However, the output from this modeling did not meet the statistical confidence thresholds required to predict the impact of this variant on FH protein function. In summary, the available evidence is currently insufficient to determine the role of this variant in disease. Therefore, it has been classified as a Variant of Uncertain Significance.

Ambry Genetics
Classification: Uncertain significance for Hereditary cancer-predisposing syndrome. Last evaluated: 2022-04-03. Review status: criteria provided, single submitter. Criteria: Ambry Variant Classification Scheme 2023. Collection method: clinical testing. Allele origin: germline.
Comment: The p.E59D variant (also known as c.177A>C), located in coding exon 2 of the FH gene, results from an A to C substitution at nucleotide position 177. The glutamic acid at codon 59 is replaced by aspartic acid, an amino acid with highly similar properties. This amino acid position is conserved. In addition, this alteration is predicted to be deleterious by in silico analysis. Since supporting evidence is limited at this time, the clinical significance of this alteration remains unclear.

NM_000143.4(FH):c.177A>C (p.Glu59Asp)

Gene: FH (fumarate hydratase; minus strand). Cytogenetic location: 1q43.
Variant type: single nucleotide variant.
Coding change: c.177A>C on transcript NM_000143.4 (MANE Select); coding-DNA position 177, A replaced by C.
Protein change: p.Glu59Asp; replaces glutamic acid 59 with aspartic acid.
Molecular consequence: missense variant.
Genome position (GRCh38, 1-based): chr1:241,517,272, T>G on the plus strand (A>C on the coding strand, the complement: FH is on the minus strand). VCF-style: chr1-241517272-T-G. GRCh37 (hg19) VCF-style: chr1-241680572-T-G.
Other names: short protein forms E59D.
Identifiers: ClinVar variation 1779932 (VCV001779932.4), dbSNP rs2147925246, ClinGen allele CA345441926.